The following is an entry in ClinVar:

ClinVar aggregate classification (germline): Conflicting classifications of pathogenicity. Review status: criteria provided, conflicting classifications (1 of 4 stars). 3 submissions from 3 submitters: Likely pathogenic (2); Uncertain significance (1). Last evaluated 2026-06-26.

Conditions:
OTC-related disorder. Also called: OTC-related condition.
Ornithine carbamoyltransferase deficiency (OTCD). Also called: Ornithine Carbamoyltransferase Deficiency Disease; ORNITHINE TRANSCARBAMYLASE DEFICIENCY; ORNITHINE TRANSCARBAMYLASE DEFICIENCY, HYPERAMMONEMIA DUE TO; OTC DEFICIENCY. Identifiers: Orphanet 664, MedGen C0268542, MONDO:0010703, OMIM 311250.

Allele frequency attached by ClinVar (database versions not stated): gnomAD exomes below 0.00001; ExAC 0.00001.
gnomAD v4.1: 2 of 1,197,459 alleles (0.00017%); no homozygotes.

Submissions (3):

PreventionGenetics, part of Exact Sciences
Classification: Uncertain significance for OTC-related condition. Last evaluated: 2026-06-26. Review status: criteria provided, single submitter. Criteria: ACMG Guidelines, 2015. Collection method: clinical testing. Allele origin: germline.
Comment: The OTC c.477T>G variant is predicted to result in the amino acid substitution p.Ile159Met. In a functional study using yeast cells, substitutions at the p.Ile159 amino acid lead to reduced yeast growth with the p.Ile159Met substitution reducing growth to 30% of wild-type, which could be consistent with a late-onset variant (Lo et al. 2023. PubMed ID: 37146589). Although we suspect that the c.477T>G (p.Ile159Met) variant may be pathogenic for late-onset OTC deficiency, at this time its clinical significance is uncertain due to the conflicting available evidence including the at least three asymptomatic males hemizygous for this variant.

Labcorp Genetics (formerly Invitae), Labcorp
Classification: Likely pathogenic for Ornithine carbamoyltransferase deficiency. Last evaluated: 2025-08-06. Review status: criteria provided, single submitter. Criteria: Invitae Variant Classification Sherloc (09022015). Collection method: clinical testing. Allele origin: germline.
Comment: This sequence change replaces isoleucine, which is neutral and non-polar, with methionine, which is neutral and non-polar, at codon 159 of the OTC protein (p.Ile159Met). This variant is present in population databases (rs755503394, gnomAD 0.01%). This missense change has been observed in individual(s) with adult-onset ornithine transcarbamylase (OTC) deficiency (PMID: 20031247). ClinVar contains an entry for this variant (Variation ID: 2671947). Invitae Evidence Modeling of protein sequence and biophysical properties (such as structural, functional, and spatial information, amino acid conservation, physicochemical variation, residue mobility, and thermodynamic stability) indicates that this missense variant is expected to disrupt OTC protein function with a positive predictive value of 95%. Experimental studies are conflicting or provide insufficient evidence to determine the effect of this variant on OTC function (PMID: 37146589). This variant disrupts the p.Ile159 amino acid residue in OTC. Other variant(s) that disrupt this residue have been observed in individuals with OTC-related conditions (PMID: 8530002), which suggests that this may be a clinically significant amino acid residue. In summary, the currently available evidence indicates that the variant is pathogenic, but additional data are needed to prove that conclusively. Therefore, this variant has been classified as Likely Pathogenic.

Baylor Genetics
Classification: Likely pathogenic for Ornithine carbamoyltransferase deficiency. Last evaluated: 2023-11-19. Review status: criteria provided, single submitter. Criteria: ACMG Guidelines, 2015. Collection method: clinical testing. Allele origin: unknown.

Literature cited by the submitters: PubMed 20031247 (cited by Labcorp Genetics (formerly Invitae), Labcorp); PubMed 37146589 (cited by Labcorp Genetics (formerly Invitae), Labcorp); PubMed 8530002 (cited by Labcorp Genetics (formerly Invitae), Labcorp).

NM_000531.6(OTC):c.477T>G (p.Ile159Met)

Gene: OTC (ornithine transcarbamylase; plus strand). Cytogenetic location: Xp11.4.
Variant type: single nucleotide variant.
Coding change: c.477T>G on transcript NM_000531.6 (MANE Select); coding-DNA position 477, T replaced by G.
Protein change: p.Ile159Met; replaces isoleucine 159 with methionine.
Molecular consequence: missense variant.
Genome position (GRCh38, 1-based): chrX:38,401,365, T>G. VCF-style: chrX-38401365-T-G. GRCh37 (hg19) VCF-style: chrX-38260618-T-G.
Other names: c.477T>G, p.Ile159Met (NM_001407092.1); c.477T>G (NM_000531.5); short protein forms I159M.
Identifiers: ClinVar variation 2671947 (VCV002671947.4), dbSNP rs755503394, ClinGen allele CA10385875.